The following is an entry in ClinVar:

NM_007294.4(BRCA1):c.1411del (p.Leu471fs)

Gene: BRCA1 (BRCA1 DNA repair associated; minus strand). Cytogenetic location: 17q21.31.
Variant type: Deletion.
Coding change: c.1411del on transcript NM_007294.4 (MANE Select); coding-DNA position 1411, one base deleted (C; older notation c.1411delC).
Protein change: p.Leu471fs; shifts the reading frame from leucine 471.
Molecular consequence: frameshift variant. On other transcripts: intron variant (137).
Genome position (GRCh38, 1-based): chr17:43,094,120, G deleted on the plus strand (C on the coding strand, the reverse complement: BRCA1 is on the minus strand); the first of 2 consecutive G bases (chr17:43,094,120-43,094,121); deleting either gives the same sequence. VCF-style (leftmost placement, unchanged base first): chr17-43094119-AG-A. GRCh37 (hg19) VCF-style: chr17-41246136-AG-A.
Other names: c.1408del, p.Leu470fs (NM_001407615.1, NM_001407627.1, NM_001407628.1 and 22 more transcripts); c.1411del, p.Leu471fs (NM_001407616.1, NM_001407622.1, NM_001407623.1 and 30 more transcripts); c.1402del, p.Leu468fs (NM_001407646.1, NM_001407647.1); c.1288del, p.Leu430fs (NM_001407648.1, NM_001407664.1, NM_001407665.1 and 19 more transcripts); c.1285del, p.Leu429fs (NM_001407649.1, NM_001407670.1, NM_001407671.1 and 11 more transcripts); c.1333del, p.Leu445fs (NM_001407653.1, NM_001407654.1, NM_001407655.1 and 4 more transcripts); c.1330del, p.Leu444fs (NM_001407659.1, NM_001407660.1, NM_001407661.1 and 1 more transcripts); c.1270del, p.Leu424fs (NM_001407692.1, NM_001407694.1, NM_001407695.1 and 29 more transcripts); and 40 more; short protein forms L424fs, L471fs, L344fs, L383fs, L400fs, L401fs, L403fs, L430fs.
Identifiers: ClinVar variation 1352307 (VCV001352307.7), dbSNP rs2154447439, ClinGen allele CA2573154086.

ClinVar aggregate classification (germline): Pathogenic (1 of 4 stars; one submission).

Conditions:
Hereditary breast ovarian cancer syndrome. Also called: BRCA1- and BRCA2-Associated Hereditary Breast and Ovarian Cancer; Hereditary breast and ovarian cancer; Hereditary breast and ovarian cancer syndrome; Hereditary breast and ovarian cancer syndrome (HBOC); Breast and ovarian cancer; Hereditary breast and/or ovarian cancer syndrome. Identifiers: Orphanet 145, MedGen C0677776, MeSH D061325, MONDO:0003582. Disease mechanism: loss of function.

Submission:

Labcorp Genetics (formerly Invitae), Labcorp
Classification: Pathogenic for Hereditary breast ovarian cancer syndrome. Last evaluated: 2020-12-10. Review status: criteria provided, single submitter. Criteria: Invitae Variant Classification Sherloc (09022015). Collection method: clinical testing. Allele origin: germline.
Comment: This variant has not been reported in the literature in individuals with BRCA1-related conditions. This variant is not present in population databases (ExAC no frequency). This sequence change creates a premature translational stop signal (p.Leu471Serfs*4) in the BRCA1 gene. It is expected to result in an absent or disrupted protein product. Loss-of-function variants in BRCA1 are known to be pathogenic (PMID: 20104584). For these reasons, this variant has been classified as Pathogenic.

Literature cited by the submitters: PubMed 20104584.